The following is an entry in ClinVar:

ClinVar aggregate classification (germline): Uncertain significance (1 of 4 stars; one submission).

Submission:

Labcorp Genetics (formerly Invitae), Labcorp
Classification: Uncertain significance. Last evaluated: 2025-07-31. Review status: criteria provided, single submitter. Criteria: Invitae Variant Classification Sherloc (09022015). Collection method: clinical testing. Allele origin: germline.
Comment: This sequence change replaces alanine, which is neutral and non-polar, with glycine, which is neutral and non-polar, at codon 1389 of the KMT2E protein (p.Ala1389Gly). This variant is not present in population databases (gnomAD no frequency). This variant has not been reported in the literature in individuals affected with KMT2E-related conditions. Invitae Evidence Modeling of protein sequence and biophysical properties (such as structural, functional, and spatial information, amino acid conservation, physicochemical variation, residue mobility, and thermodynamic stability) indicates that this missense variant is not expected to disrupt KMT2E protein function with a negative predictive value of 80%. In summary, the available evidence is currently insufficient to determine the role of this variant in disease. Therefore, it has been classified as a Variant of Uncertain Significance.

NM_182931.3(KMT2E):c.4166C>G (p.Ala1389Gly)

Gene: KMT2E (lysine methyltransferase 2E (inactive); plus strand). Cytogenetic location: 7q22.3.
Variant type: single nucleotide variant.
Coding change: c.4166C>G on transcript NM_182931.3 (MANE Select); coding-DNA position 4166, C replaced by G.
Protein change: p.Ala1389Gly; replaces alanine 1389 with glycine.
Molecular consequence: missense variant.
Genome position (GRCh38, 1-based): chr7:105,111,922, C>G. VCF-style: chr7-105111922-C-G. GRCh37 (hg19) VCF-style: chr7-104752369-C-G.
Other names: c.4040C>G, p.Ala1347Gly (NM_001410908.1); c.4166C>G, p.Ala1389Gly (NM_018682.4); short protein forms A1347G, A1389G.
Identifiers: ClinVar variation 4742232 (VCV004742232.1).
Genomic context (GRCh38, chr7:105,111,922, plus strand): 5'-ACGGGAAAATATTCACAAAACCAGATCCCCAATGGGACTCCACAGTTAGTGCATCCGAAG[C>G]TGAAAATGGTGTTCACCTAAAAACAGAGCTCCAACAAAAACAGCTATCAAATAACAACCA-3'
Protein context (NP_891847.1, residues 1379-1399): QWDSTVSASE[Ala1389Gly]ENGVHLKTEL